The following is an entry in ClinVar:

NM_000321.3(RB1):c.-78del

Gene: RB1 (RB transcriptional corepressor 1; plus strand). Cytogenetic location: 13q14.2.
Variant type: Deletion.
Coding change: c.-78del on transcript NM_000321.3 (MANE Select); 78 bases upstream of the start codon, one base deleted (G; older notation c.-78delG).
Molecular consequence: 5 prime UTR variant.
Genome position (GRCh38, 1-based): chr13:48,303,835, G deleted; the last of 4 consecutive G bases (chr13:48,303,832-48,303,835); deleting any one gives the same sequence. VCF-style (leftmost placement, unchanged base first): chr13-48303831-CG-C. GRCh37 (hg19) VCF-style: chr13-48877967-CG-C.
Other names: c.-78del (NM_001407165.1, NM_001407166.1, NM_001407167.1).
Identifiers: ClinVar variation 2706003 (VCV002706003.3), dbSNP rs2542092460, ClinGen allele CA2622977195.

ClinVar aggregate classification (germline): Uncertain significance (1 of 4 stars; one submission).

Conditions:
Retinoblastoma (RB1). Also called: RETINOBLASTOMA, SOMATIC. Identifiers: Orphanet 790, MedGen C0035335, MeSH D012175, MONDO:0008380, OMIM 180200, HP:0009919. Disease mechanism: loss of function. Inheritance: Both sporadic and heritable forms are tested..

Submission:

Labcorp Genetics (formerly Invitae), Labcorp
Classification: Uncertain significance for Retinoblastoma. Last evaluated: 2024-02-08. Review status: criteria provided, single submitter. Criteria: Invitae Variant Classification Sherloc (09022015). Collection method: clinical testing. Allele origin: germline.
Comment: This variant occurs in a non-coding region of the RB1 gene. It does not change the encoded amino acid sequence of the RB1 protein. This variant is not present in population databases (gnomAD no frequency). This variant has not been reported in the literature in individuals affected with RB1-related conditions. Experimental studies and prediction algorithms are not available or were not evaluated, and the functional significance of this variant is currently unknown. In summary, the available evidence is currently insufficient to determine the role of this variant in disease. Therefore, it has been classified as a Variant of Uncertain Significance.